The following is an entry in ClinVar:

NM_003718.5(CDK13):c.51G>A (p.Trp17Ter)

Gene: CDK13 (cyclin dependent kinase 13; plus strand). Cytogenetic location: 7p14.1.
Variant type: single nucleotide variant.
Coding change: c.51G>A on transcript NM_003718.5 (MANE Select); coding-DNA position 51, G replaced by A.
Protein change: p.Trp17Ter; replaces tryptophan 17 with a stop codon.
Molecular consequence: nonsense.
Genome position (GRCh38, 1-based): chr7:39,950,692, G>A. VCF-style: chr7-39950692-G-A. GRCh37 (hg19) VCF-style: chr7-39990291-G-A.
Other names: c.51G>A, p.Trp17Ter (NM_031267.4); short protein forms W17*.
Identifiers: ClinVar variation 1709721 (VCV001709721.2), dbSNP rs2483666167, ClinGen allele CA367308337.

ClinVar aggregate classification (germline): Uncertain significance (1 of 4 stars; one submission).

Conditions:
Congenital heart defects, dysmorphic facial features, and intellectual developmental disorder (CHDFIDD). Identifiers: Orphanet 646278, MedGen C4479246, MONDO:0044302, OMIM 617360.

Submission:

MGZ Medical Genetics Center
Classification: Uncertain significance for Congenital heart defects, dysmorphic facial features, and intellectual developmental disorder. Last evaluated: 2022-08-10. Review status: criteria provided, single submitter. Criteria: ACMG Guidelines, 2015. Collection method: clinical testing. Allele origin: germline. Affected: yes. Observed: 1 variant allele.
Comment: ACMG criteria applied: PVS1_SUP, PM2_SUP